The following is an entry in ClinVar:

NM_014271.4(IL1RAPL1):c.148C>T (p.Arg50Ter)

Gene: IL1RAPL1 (interleukin 1 receptor accessory protein like 1; plus strand). Cytogenetic location: Xp21.3.
Variant type: single nucleotide variant.
Coding change: c.148C>T on transcript NM_014271.4 (MANE Select); coding-DNA position 148, C replaced by T.
Protein change: p.Arg50Ter; replaces arginine 50 with a stop codon.
Molecular consequence: nonsense.
Genome position (GRCh38, 1-based): chrX:29,283,003, C>T. VCF-style: chrX-29283003-C-T. GRCh37 (hg19) VCF-style: chrX-29301120-C-T.
Other names: c.148C>T (NM_014271.3); short protein forms R50*.
Identifiers: ClinVar variation 1334575 (VCV001334575.5), dbSNP rs781674023, ClinGen allele CA412632964.
Genomic context (GRCh38, chrX:29,283,003, plus strand): 5'-GGATGCACTGACTGGTCTATCGATATCAAGAAATATCAAGTTTTGGTGGGAGAGCCTGTT[C>T]GAATCAAATGTGCACTCTTTTATGGTTATATCAGAACAAATTACTCCCTTGCCCAAAGTG-3'

ClinVar aggregate classification (germline): Pathogenic/Likely pathogenic. Review status: criteria provided, multiple submitters, no conflicts (2 of 4 stars). 2 submissions from 2 submitters: Pathogenic (1); Likely pathogenic (1). Last evaluated 2024-07-01.

Conditions:
Intellectual developmental disorder, X-linked 21. Also called: Intellectual disability, X-linked 21; MENTAL RETARDATION, X-LINKED 34; Mental retardation, X-linked 21/34. Identifiers: Orphanet 777, MedGen C5551510, MONDO:0010256, OMIM 300143.

gnomAD v4.1: 1 of 1,209,665 alleles (0.000083%); highest among the groups gnomAD compares: Admixed American, 0.0022%; no homozygotes.

Submissions (2):

GeneDx
Classification: Pathogenic. Last evaluated: 2024-07-01. Review status: criteria provided, single submitter. Criteria: GeneDx Variant Classification Process June 2021. Collection method: clinical testing. Allele origin: germline. Affected: yes.
Comment: Nonsense variant predicted to result in protein truncation or nonsense mediated decay in a gene for which loss of function is a known mechanism of disease; Not observed at significant frequency in large population cohorts (gnomAD); This variant is associated with the following publications: (PMID: 26350204)

Greenwood Genetic Center Diagnostic Laboratories, Greenwood Genetic Center
Classification: Likely pathogenic for Intellectual developmental disorder, X-linked 21. Last evaluated: 2021-09-02. Review status: criteria provided, single submitter. Criteria: ACMG Guidelines, 2015. Collection method: clinical testing. Allele origin: germline. Affected: yes.
Comment: PVS1, PM2